The following is an entry in ClinVar:

NM_152703.5(SAMD9L):c.3028C>T (p.Gln1010Ter)

Gene: SAMD9L (sterile alpha motif domain containing 9 like; minus strand). Cytogenetic location: 7q21.2.
Variant type: single nucleotide variant.
Coding change: c.3028C>T on transcript NM_152703.5 (MANE Select); coding-DNA position 3028, C replaced by T.
Protein change: p.Gln1010Ter; replaces glutamine 1010 with a stop codon.
Molecular consequence: nonsense.
Genome position (GRCh38, 1-based): chr7:93,132,944, G>A on the plus strand (C>T on the coding strand, the complement: SAMD9L is on the minus strand). VCF-style: chr7-93132944-G-A. GRCh37 (hg19) VCF-style: chr7-92762257-G-A.
Other names: c.3028C>T, p.Gln1010Ter (NM_001303496.3, NM_001303497.3, NM_001303498.3 and 5 more transcripts); short protein forms Q1010*.
Identifiers: ClinVar variation 2045550 (VCV002045550.4), dbSNP rs117342581, ClinGen allele CA368185505.

ClinVar aggregate classification (germline): Uncertain significance (1 of 4 stars; one submission).

Submission:

Labcorp Genetics (formerly Invitae), Labcorp
Classification: Uncertain significance. Last evaluated: 2022-08-22. Review status: criteria provided, single submitter. Criteria: Invitae Variant Classification Sherloc (09022015). Collection method: clinical testing. Allele origin: germline.
Comment: This sequence change creates a premature translational stop signal (p.Gln1010*) in the SAMD9L gene. While this is not anticipated to result in nonsense mediated decay, it is expected to disrupt the last 575 amino acid(s) of the SAMD9L protein. This variant is not present in population databases (gnomAD no frequency). This variant has not been reported in the literature in individuals affected with SAMD9L-related conditions. Experimental studies and prediction algorithms are not available or were not evaluated, and the functional significance of this variant is currently unknown. In summary, the available evidence is currently insufficient to determine the role of this variant in disease. Therefore, it has been classified as a Variant of Uncertain Significance.